The following is an entry in ClinVar:

ClinVar aggregate classification (germline): Uncertain significance (1 of 4 stars; one submission).

Conditions:
Tuberous sclerosis 2 (TSC2). Identifiers: Orphanet 805, MedGen C1860707, MONDO:0013199, OMIM 613254.

Submission:

Labcorp Genetics (formerly Invitae), Labcorp
Classification: Uncertain significance for Tuberous sclerosis 2. Last evaluated: 2019-06-11. Review status: criteria provided, single submitter. Criteria: Invitae Variant Classification Sherloc (09022015). Collection method: clinical testing. Allele origin: germline.
Comment: This variant results in a copy number gain of the genomic region encompassing exons 10-42 of the TSC2 gene. The 5' boundary is likely confined to intron 9. The 3' end of this event is unknown as it extends beyond the assayed region for this gene and therefore may encompass additional genes. As the precise location of this event is unknown, it may be in tandem or it may be located elsewhere in the genome. Similar gain of exons 10-42 has not been reported in the literature in individuals with a TSC2-related disease. In summary, the available evidence is currently insufficient to determine the role of this variant in disease. Therefore, it has been classified as a Variant of Uncertain Significance.

NC_000016.9:g.(?_2108738)_(2138621_?)dup

Gene: TSC2 (TSC complex subunit 2; plus strand). Cytogenetic location: 16p13.3.
Variant type: Duplication.
Identifiers: ClinVar variation 658974 (VCV000658974.2).